The following is an entry in ClinVar:

NM_024675.4(PALB2):c.925A>G (p.Ile309Val)

Gene: PALB2 (partner and localizer of BRCA2; minus strand). Cytogenetic location: 16p12.2.
Variant type: single nucleotide variant.
Coding change: c.925A>G on transcript NM_024675.4 (MANE Select); coding-DNA position 925, A replaced by G.
Protein change: p.Ile309Val; replaces isoleucine 309 with valine.
Molecular consequence: missense variant.
Genome position (GRCh38, 1-based): chr16:23,635,621, T>C on the plus strand (A>G on the coding strand, the complement: PALB2 is on the minus strand). VCF-style: chr16-23635621-T-C. GRCh37 (hg19) VCF-style: chr16-23646942-T-C.
Other names: p.I309V:ATA>GTA; NP_078951.2:p.Ile309Val; short protein forms I309V.
Identifiers: ClinVar variation 126780 (VCV000126780.55), dbSNP rs3809683, ClinGen allele CA161330.

ClinVar aggregate classification (germline): Benign/Likely benign. Review status: criteria provided, multiple submitters, no conflicts (2 of 4 stars). 24 submissions from 24 submitters: Benign (12); Likely benign (4). 8 of the submissions do not count toward it. Last evaluated 2026-02-04.

Conditions:
Breast-ovarian cancer, familial, susceptibility to, 5 (BROVCA5). Identifiers: MedGen C5830615, MONDO:0957530, OMIM 620442.
Hereditary cancer-predisposing syndrome. Also called: Tumor predisposition; Hereditary neoplastic syndrome; Neoplastic Syndromes, Hereditary; Hereditary Cancer Syndrome. Identifiers: Orphanet 140162, MedGen C0027672, MeSH D009386, MONDO:0015356.
Hereditary breast ovarian cancer syndrome. Also called: Hereditary breast and ovarian cancer syndrome (HBOC); Hereditary breast and ovarian cancer; Hereditary breast and ovarian cancer syndrome; Breast and ovarian cancer; Hereditary breast and/or ovarian cancer syndrome; BRCA1- and BRCA2-Associated Hereditary Breast and Ovarian Cancer. Identifiers: Orphanet 145, MedGen C0677776, MeSH D061325, MONDO:0003582. Disease mechanism: loss of function.
Familial cancer of breast. Also called: Hereditary breast cancer; hereditary breast carcinoma; BREAST CANCER, FAMILIAL. Identifiers: Orphanet 227535, MedGen C0346153, MONDO:0016419, OMIM 114480. Disease mechanism: loss of function.
Malignant tumor of breast. Also called: Malignant breast neoplasm; Cancer breast. Identifiers: MedGen C0006142, MONDO:0007254. Disease mechanism: loss of function.
Fanconi anemia complementation group N. Also called: PALB2-Related Fanconi Anemia. Identifiers: Orphanet 84, MedGen C1835817, MONDO:0012565, OMIM 610832. Disease mechanism: loss of function.

Allele frequency attached by ClinVar (database versions not stated): gnomAD exomes 0.00100 and 0.00285; ExAC 0.00336; gnomAD 0.00860 and 0.00919; ESP Exome Variant Server 0.00970; TOPMed 0.01050; 1000 Genomes Project 0.01158; 1000 Genomes Project 30x 0.01280.
gnomAD v4.1: 2,852 of 1,614,148 alleles (0.18%); highest among the groups gnomAD compares: African/African-American, 2.9%; 40 homozygotes.

Submissions 1 to 20 of 29:

Labcorp Genetics (formerly Invitae), Labcorp
Classification: Benign for Familial cancer of breast. Last evaluated: 2026-02-04. Review status: criteria provided, single submitter. Criteria: Invitae Variant Classification Sherloc (09022015). Collection method: clinical testing. Allele origin: germline.

CeGaT Center for Human Genetics Tuebingen
Classification: Benign. Last evaluated: 2026-01-01. Review status: criteria provided, single submitter. Criteria: CeGaT Center For Human Genetics Tuebingen Variant Classification Criteria Version 2. Collection method: clinical testing. Allele origin: germline. Affected: yes. Observed: 1 variant allele.
Comment: PALB2: BP4, BS1, BS2

ARUP Laboratories, Molecular Genetics and Genomics, ARUP Laboratories
Classification: Benign. Last evaluated: 2025-07-23. Review status: criteria provided, single submitter. Criteria: ARUP Molecular Germline Variant Investigation Process 2024. Collection method: clinical testing. Allele origin: germline.

Center for Genomic Medicine, Rigshospitalet, Copenhagen University Hospital
Classification: Benign. Last evaluated: 2025-03-04. Review status: criteria provided, single submitter. Criteria: ACMG Guidelines, 2015. Collection method: clinical testing. Allele origin: germline.

Mayo Clinic Laboratories, Mayo Clinic
Classification: Benign. Last evaluated: 2025-01-10. Review status: criteria provided, single submitter. Criteria: ACMG Guidelines, 2015. Collection method: clinical testing. Allele origin: germline. Observed: 4 variant alleles.
Comment: BA1, BP1

Myriad Genetics, Inc.
Classification: Benign for Familial cancer of breast. Last evaluated: 2025-01-10. Review status: criteria provided, single submitter. Criteria: Myriad Autosomal Dominant, Autosomal Recessive and X-Linked Classification Criteria (2023). Collection method: clinical testing. Allele origin: unknown.
Comment: This variant is considered benign. This variant has been observed at a population frequency that is significantly greater than expected given the associated disease prevalence and penetrance.

KCCC/NGS Laboratory, Kuwait Cancer Control Center
Classification: Benign for Breast-ovarian cancer, familial, susceptibility to, 5. Last evaluated: 2023-07-07. Review status: criteria provided, single submitter. Criteria: ACMG Guidelines, 2015. Collection method: clinical testing. Allele origin: germline. Affected: yes.

National Health Laboratory Service, Universitas Academic Hospital and University of the Free State
Classification: Benign for Hereditary breast ovarian cancer syndrome. Last evaluated: 2022-04-19. Review status: criteria provided, single submitter. Criteria: ACMG Guidelines, 2015. Collection method: clinical testing. Allele origin: germline. Affected: yes. Observed: 29 variant alleles.

Institute for Biomarker Research, Medical Diagnostic Laboratories, L.L.C.
Classification: Likely benign for Hereditary cancer-predisposing syndrome. Last evaluated: 2017-07-12. Review status: criteria provided, single submitter. Criteria: ACMG Guidelines, 2015. Collection method: clinical testing. Allele origin: germline.

Illumina Laboratory Services, Illumina
Classification: Likely benign for Fanconi anemia complementation group N. Last evaluated: 2017-04-27. Review status: criteria provided, single submitter. Criteria: ICSL Variant Classification Criteria 13 December 2019. Collection method: clinical testing. Allele origin: germline.
Comment: This variant was observed as part of a predisposition screen in an ostensibly healthy population. A literature search was performed for the gene, cDNA change, and amino acid change (where applicable). No publications were found based on this search. Allele frequency data from public databases allowed determination this variant is unlikely to cause disease. Therefore, this variant is classified as likely benign.

PreventionGenetics, part of Exact Sciences
Classification: Benign. Last evaluated: 2017-04-06. Review status: criteria provided, single submitter. Criteria: ACMG Guidelines, 2015. Collection method: clinical testing. Allele origin: germline.

Cancer Genetics Laboratory, Peter MacCallum Cancer Centre
Classification: Likely benign for Familial cancer of breast. Last evaluated: 2015-06-01. Review status: criteria provided, single submitter. Criteria: Thompson et al. (Breast Cancer Res. 2015). Collection method: case-control. Allele origin: germline. Affected: yes. Observed: 4 variant alleles, 3 heterozygotes, 1 homozygote.

Color Diagnostics, LLC DBA Color Health
Classification: Benign for Hereditary cancer-predisposing syndrome. Last evaluated: 2014-12-10. Review status: criteria provided, single submitter. Criteria: ACMG Guidelines, 2015. Collection method: clinical testing. Allele origin: germline.

Ambry Genetics
Classification: Benign for Hereditary cancer-predisposing syndrome. Last evaluated: 2014-11-24. Review status: criteria provided, single submitter. Criteria: Ambry Variant Classification Scheme 2023. Collection method: clinical testing. Allele origin: germline.

GeneDx
Classification: Benign. Last evaluated: 2013-11-01. Review status: criteria provided, single submitter. Criteria: GeneDx Variant Classification (06012015). Collection method: clinical testing. Allele origin: germline. Affected: yes.
Comment: This variant is considered likely benign or benign based on one or more of the following criteria: it is a conservative change, it occurs at a poorly conserved position in the protein, it is predicted to be benign by multiple in silico algorithms, and/or has population frequency not consistent with disease.

Breakthrough Genomics
Classification: Likely benign. Review status: criteria provided, single submitter. Criteria: ACMG Guidelines, 2015. Collection method: not provided. Allele origin: germline. Inheritance: Autosomal dominant inheritance. Affected: yes.

Leiden Open Variation Database
Classification: Benign. Last evaluated: 2019-05-13. Review status: no assertion criteria provided. Collection method: curation. Allele origin: germline. Affected: no. Not counted in ClinVar's aggregate classification.
Comment: Curators: Marc Tischkowitz, Arleen D. Auerbach. Submitters to LOVD: Marc Tischkowitz, Melissa DeRycke, Yukihide Momozawa.

True Health Diagnostics
Classification: Likely benign for Hereditary cancer-predisposing syndrome. Last evaluated: 2017-09-11. Review status: no assertion criteria provided. Collection method: clinical testing. Allele origin: germline. Not counted in ClinVar's aggregate classification.

ITMI
No classification provided. Condition: AllHighlyPenetrant. Last evaluated: 2013-09-19. Review status: no classification provided. Collection method: reference population. Allele origin: germline. Not counted in ClinVar's aggregate classification.
Comment: Please see associated publication for description of ethnicities

Clinical Genetics Laboratory, Department of Pathology, Netherlands Cancer Institute
Classification: Benign. Review status: no assertion criteria provided. Collection method: clinical testing. Allele origin: germline. Affected: yes. Study: VKGL Data-share Consensus. Not counted in ClinVar's aggregate classification.